The following is an entry in ClinVar:

NM_004629.2(FANCG):c.1424A>C (p.Glu475Ala)

Gene: FANCG (FA complementation group G; minus strand). Cytogenetic location: 9p13.3.
Variant type: single nucleotide variant.
Coding change: c.1424A>C on transcript NM_004629.2 (MANE Select); coding-DNA position 1424, A replaced by C.
Protein change: p.Glu475Ala; replaces glutamic acid 475 with alanine.
Molecular consequence: missense variant.
Genome position (GRCh38, 1-based): chr9:35,075,474, T>G on the plus strand (A>C on the coding strand, the complement: FANCG is on the minus strand). VCF-style: chr9-35075474-T-G. GRCh37 (hg19) VCF-style: chr9-35075471-T-G.
Other names: short protein forms E475A.
Identifiers: ClinVar variation 5036492 (VCV005036492.1).
Genomic context (GRCh38, chr9:35,075,474, plus strand): 5'-TCCCAATCAGAAAATCATCCCTCCACACCCCCTCTAGGACCCCGGGCTCACCTGCTAAAT[T>G]CACTAATTGCCACTTTTTGGGCACCCAGTTGAACCCAGGCCTGGCCCTGAAGCAGGTGGG-3'
Protein context (NP_004620.1, residues 465-485): QLGAQKVAIS[Glu475Ala]FSRCLELLFR

ClinVar aggregate classification (germline): Uncertain significance (1 of 4 stars; one submission).

Conditions:
Inborn genetic diseases. Identifiers: MedGen C0950123, MeSH D030342.

Submission:

Ambry Genetics
Classification: Uncertain significance for Inborn genetic diseases. Last evaluated: 2026-06-20. Review status: criteria provided, single submitter. Criteria: Ambry Variant Classification Scheme 2023. Collection method: clinical testing. Allele origin: germline.
Comment: The p.E475A variant (also known as c.1424A>C), located in coding exon 10 of the FANCG gene, results from an A to C substitution at nucleotide position 1424. The glutamic acid at codon 475 is replaced by alanine, an amino acid with dissimilar properties. This amino acid position is conserved. In addition, this alteration is predicted to be tolerated by in silico analysis. Based on the available evidence, the clinical significance of this variant remains unclear.